The following is an entry in ClinVar:

NM_000238.4(KCNH2):c.134A>C (p.Asn45Thr)

Gene: KCNH2 (potassium voltage-gated channel subfamily H member 2; minus strand). Cytogenetic location: 7q36.1.
Variant type: single nucleotide variant.
Coding change: c.134A>C on transcript NM_000238.4 (MANE Select); coding-DNA position 134, A replaced by C.
Protein change: p.Asn45Thr; replaces asparagine 45 with threonine.
Molecular consequence: missense variant.
Genome position (GRCh38, 1-based): chr7:150,974,884, T>G on the plus strand (A>C on the coding strand, the complement: KCNH2 is on the minus strand). VCF-style: chr7-150974884-T-G. GRCh37 (hg19) VCF-style: chr7-150671972-T-G.
Other names: c.-44A>C (NM_001406755.1); c.134A>C, p.Asn45Thr (NM_172056.3); short protein forms N45T.
Identifiers: ClinVar variation 949254 (VCV000949254.10), dbSNP rs1801939758, ClinGen allele CA369865844.
Genomic context (GRCh38, chr7:150,974,884, plus strand): 5'-GTGCAGGGTCGCTGCATCACCTCGGCCCGCGAGTAGCCGCACAGCTCGCAGAAGCCGTCG[T>G]TGCAGTAGATGACGGCGCAGTTCTCCACCCGAGCGTTGGCGATGATGAACTTACGGCCTA-3'
Protein context (NP_000229.1, residues 35-55): RVENCAVIYC[Asn45Thr]DGFCELCGYS

ClinVar aggregate classification (germline): Uncertain significance (1 of 4 stars; one submission).

Conditions:
Long QT syndrome (LQTS). Identifiers: MedGen C0023976, MeSH D008133, MONDO:0002442. Disease mechanism: loss of function. Inheritance: Various modes of inheritance.

Submission:

Labcorp Genetics (formerly Invitae), Labcorp
Classification: Uncertain significance for Long QT syndrome. Last evaluated: 2019-06-05. Review status: criteria provided, single submitter. Criteria: Invitae Variant Classification Sherloc (09022015). Collection method: clinical testing. Allele origin: germline.
Comment: This variant has not been reported in the literature in individuals with KCNH2-related conditions. This variant is not present in population databases (ExAC no frequency). This sequence change replaces asparagine with threonine at codon 45 of the KCNH2 protein (p.Asn45Thr). The asparagine residue is moderately conserved and there is a small physicochemical difference between asparagine and threonine. In summary, the available evidence is currently insufficient to determine the role of this variant in disease. Therefore, it has been classified as a Variant of Uncertain Significance. Algorithms developed to predict the effect of missense changes on protein structure and function are either unavailable or do not agree on the potential impact of this missense change (SIFT: "Deleterious"; PolyPhen-2: "Possibly Damaging"; Align-GVGD: "Class C0").